The following is an entry in ClinVar:

NM_004370.6(COL12A1):c.7840C>T (p.Pro2614Ser)

Gene: COL12A1 (collagen type XII alpha 1 chain; minus strand). Cytogenetic location: 6q13.
Variant type: single nucleotide variant.
Coding change: c.7840C>T on transcript NM_004370.6 (MANE Select); coding-DNA position 7840, C replaced by T.
Protein change: p.Pro2614Ser; replaces proline 2614 with serine.
Molecular consequence: missense variant.
Genome position (GRCh38, 1-based): chr6:75,113,602, G>A on the plus strand (C>T on the coding strand, the complement: COL12A1 is on the minus strand). VCF-style: chr6-75113602-G-A. GRCh37 (hg19) VCF-style: chr6-75823318-G-A.
Other names: p.Pro2614Ser; c.4348C>T, p.Pro1450Ser (NM_080645.3); short protein forms P2614S, P1450S.
Identifiers: ClinVar variation 1414032 (VCV001414032.8), dbSNP rs772870762, ClinGen allele CA141010783.

ClinVar aggregate classification (germline): Uncertain significance. Review status: criteria provided, multiple submitters, no conflicts (2 of 4 stars). 3 submissions from 3 submitters: Uncertain significance (3). Last evaluated 2025-12-30.

Conditions:
Ullrich congenital muscular dystrophy 2 (UCMD2). Identifiers: Orphanet 75840, MedGen C4225314, MONDO:0014654, OMIM 616470.
Bethlem myopathy 2 (BTHLM2). Identifiers: Orphanet 536516, Orphanet 610, MedGen C4225313, MONDO:0034022, OMIM 616471.

Allele frequency attached by ClinVar (database versions not stated): gnomAD exomes 0.00001; gnomAD 0.00003 and 0.00004.
gnomAD v4.1: 13 of 1,600,396 alleles (0.00081%); highest among the groups gnomAD compares: East Asian, 0.0022%; no homozygotes.

Submissions (3):

Women's Health and Genetics/Laboratory Corporation of America, LabCorp
Classification: Uncertain significance. Last evaluated: 2025-12-30. Review status: criteria provided, single submitter. Criteria: LabCorp Variant Classification Summary - May 2015. Collection method: clinical testing. Allele origin: germline.
Comment: Variant summary: COL12A1 c.7840C>T (p.Pro2614Ser) results in a non-conservative amino acid change in the encoded protein sequence. Algorithms developed to predict the effect of missense changes on protein structure and function are either unavailable or do not agree on the potential impact of this missense change. Several computational tools predict a significant impact on normal splicing: One predicts the variant has no significant impact on splicing, two predict the variant weakens a 5' donor site, and one predicts the variant abolishes a 5' splicing donor site. However, these predictions have yet to be confirmed by functional studies. The frequency data for this variant in gnomAD is considered unreliable, as metrics indicate poor data quality at this position. To our knowledge, no occurrence of c.7840C>T in individuals affected with COL12A1-related conditions and no experimental evidence demonstrating its impact on protein function have been reported. ClinVar contains an entry for this variant (Variation ID: 1414032). Based on the evidence outlined above, the variant was classified as uncertain significance.

Mayo Clinic Laboratories, Mayo Clinic
Classification: Uncertain significance. Last evaluated: 2025-10-23. Review status: criteria provided, single submitter. Criteria: ACMG Guidelines, 2015. Collection method: clinical testing. Allele origin: germline. Observed: 1 variant allele.
Comment: BP4

Labcorp Genetics (formerly Invitae), Labcorp
Classification: Uncertain significance for Bethlem myopathy 2; Ullrich congenital muscular dystrophy 2. Last evaluated: 2025-10-06. Review status: criteria provided, single submitter. Criteria: Invitae Variant Classification Sherloc (09022015). Collection method: clinical testing. Allele origin: germline.
Comment: This sequence change replaces proline, which is neutral and non-polar, with serine, which is neutral and polar, at codon 2614 of the COL12A1 protein (p.Pro2614Ser). This variant is not present in population databases (gnomAD no frequency). This variant has not been reported in the literature in individuals affected with COL12A1-related conditions. ClinVar contains an entry for this variant (Variation ID: 1414032). An algorithm developed to predict the effect of missense changes on protein structure and function (PolyPhen-2) suggests that this variant is likely to be disruptive. In summary, the available evidence is currently insufficient to determine the role of this variant in disease. Therefore, it has been classified as a Variant of Uncertain Significance.